The following is an entry in ClinVar:

ClinVar aggregate classification (germline): Pathogenic/Likely pathogenic. Review status: criteria provided, multiple submitters, no conflicts (2 of 4 stars). 3 submissions from 3 submitters: Pathogenic (2); Likely pathogenic (1). Last evaluated 2024-12-10.

Conditions:
Inborn genetic diseases. Identifiers: MedGen C0950123, MeSH D030342.
CHARGE syndrome (CHARGE). Also called: Hittner Hirsch Kreh syndrome; Coloboma, heart anomaly, choanal atresia, retardation, genital and ear anomalies; CHARGE association; Hall-Hittner syndrome; CHARGE ASSOCIATION--COLOBOMA, HEART ANOMALY, CHOANAL ATRESIA, RETARDATION, GENITAL AND EAR ANOMALIES. Identifiers: Orphanet 138, MedGen C0265354, MONDO:0008965.

Submissions (3):

GeneDx
Classification: Pathogenic. Last evaluated: 2024-12-10. Review status: criteria provided, single submitter. Criteria: GeneDx Variant Classification Process June 2021. Collection method: clinical testing. Allele origin: germline. Affected: yes.
Comment: Not observed at significant frequency in large population cohorts (gnomAD); In silico analysis supports that this missense variant has a deleterious effect on protein structure/function; This variant is associated with the following publications: (PMID: 21158681)

Genomic Diagnostic Laboratory, Division of Genomic Diagnostics, Children's Hospital of Philadelphia
Classification: Likely pathogenic for CHARGE syndrome. Last evaluated: 2016-09-05. Review status: criteria provided, single submitter. Criteria: DGD Variant Analysis Guidelines. Collection method: clinical testing. Allele origin: germline. Affected: yes. Observed: 1 variant allele.
Comment: Clinical Testing

Ambry Genetics
Classification: Pathogenic for Inborn genetic diseases. Last evaluated: 2015-10-02. Review status: criteria provided, single submitter. Criteria: Ambry exome assertion method (8-5-2015). Collection method: clinical testing. Allele origin: germline. Affected: yes. Observed: 1 variant allele.

NM_017780.4(CHD7):c.3623T>A (p.Val1208Asp)

Gene: CHD7 (chromodomain helicase DNA binding protein 7; plus strand). Cytogenetic location: 8q12.2.
Variant type: single nucleotide variant.
Coding change: c.3623T>A on transcript NM_017780.4 (MANE Select); coding-DNA position 3623, T replaced by A.
Protein change: p.Val1208Asp; replaces valine 1208 with aspartic acid.
Molecular consequence: missense variant. On other transcripts: intron variant (1).
Genome position (GRCh38, 1-based): chr8:60,830,422, T>A. VCF-style: chr8-60830422-T-A. GRCh37 (hg19) VCF-style: chr8-61742981-T-A.
Other names: c.3623T>A (LRG_176t1); c.1717-31807T>A (NM_001316690.1); short protein forms V1208D.
Identifiers: ClinVar variation 267427 (VCV000267427.7), dbSNP rs886040988, ClinGen allele CA10602494.